The following is an entry in ClinVar:

ClinVar aggregate classification (germline): Uncertain significance (1 of 4 stars; one submission).

Submission:

GeneDx
Classification: Uncertain significance. Last evaluated: 2023-12-06. Review status: criteria provided, single submitter. Criteria: GeneDx Variant Classification Process June 2021. Collection method: clinical testing. Allele origin: germline. Affected: yes.
Comment: Not observed at significant frequency in large population cohorts (gnomAD); In silico analysis supports that this missense variant does not alter protein structure/function; Has not been previously published as pathogenic or benign to our knowledge; Reported using an alternate transcript of the gene

NM_001037.5(SCN1B):c.448+289C>T

Gene: SCN1B (sodium voltage-gated channel beta subunit 1; plus strand). Cytogenetic location: 19q13.11.
Variant type: single nucleotide variant.
Coding change: c.448+289C>T on transcript NM_001037.5 (MANE Select); 289 bases into the intron after coding-DNA position 448, C replaced by T.
Molecular consequence: intron variant. On other transcripts: missense variant (1).
Genome position (GRCh38, 1-based): chr19:35,034,028, C>T. VCF-style: chr19-35034028-C-T. GRCh37 (hg19) VCF-style: chr19-35524932-C-T.
Other names: c.737C>T, p.Ser246Phe (NM_199037.5); c.349+289C>T (NM_001321605.2); short protein forms S246F.
Identifiers: ClinVar variation 3365101 (VCV003365101.1).
Genomic context (GRCh38, chr19:35,034,028, plus strand): 5'-CCGGGTACAGAACCCAGCTCTGTCACCTGTGCTGTATGACCTCTGGCAGGTGCCTTCTGT[C>T]TCTGAGCCAAAGGGTTGTCCTGGGCTTGCCCGGGATAATAATCCGATGTGTTTCTCGGGG-3'